The following is an entry in ClinVar:

ClinVar aggregate classification (germline): Uncertain significance (1 of 4 stars; one submission).

Conditions:
Agammaglobulinemia 4, autosomal recessive (AGM4). Also called: AGAMMAGLOBULINEMIA, AUTOSOMAL RECESSIVE, DUE TO BLNK DEFECT; B cell linker protein deficiency. Identifiers: MedGen C3150752, MONDO:0013289, OMIM 613502.

Allele frequency attached by ClinVar (database versions not stated): ExAC 0.00001; gnomAD exomes 0.00001.
gnomAD v4.1: 14 of 1,613,612 alleles (0.00087%); highest among the groups gnomAD compares: Non-Finnish European, 0.0012%; no homozygotes.

Submission:

Labcorp Genetics (formerly Invitae), Labcorp
Classification: Uncertain significance for Agammaglobulinemia 4, autosomal recessive. Last evaluated: 2022-08-09. Review status: criteria provided, single submitter. Criteria: Invitae Variant Classification Sherloc (09022015). Collection method: clinical testing. Allele origin: germline.
Comment: This sequence change replaces leucine, which is neutral and non-polar, with phenylalanine, which is neutral and non-polar, at codon 434 of the BLNK protein (p.Leu434Phe). This variant is present in population databases (rs782636828, gnomAD 0.002%). In summary, the available evidence is currently insufficient to determine the role of this variant in disease. Therefore, it has been classified as a Variant of Uncertain Significance. Algorithms developed to predict the effect of sequence changes on RNA splicing suggest that this variant may create or strengthen a splice site. Algorithms developed to predict the effect of missense changes on protein structure and function are either unavailable or do not agree on the potential impact of this missense change (SIFT: "Deleterious"; PolyPhen-2: "Probably Damaging"; Align-GVGD: "Class C0"). ClinVar contains an entry for this variant (Variation ID: 1355642). This variant has not been reported in the literature in individuals affected with BLNK-related conditions.

NM_013314.4(BLNK):c.1302G>T (p.Leu434Phe)

Genes: BLNK (B cell linker; minus strand), ZNF518A (zinc finger protein 518A; plus strand). Cytogenetic location: 10q24.1.
Variant type: single nucleotide variant.
Coding change: c.1302G>T on transcript NM_013314.4 (MANE Select); coding-DNA position 1302, G replaced by T.
Protein change: p.Leu434Phe; replaces leucine 434 with phenylalanine.
Molecular consequence: missense variant. On other transcripts: non-coding transcript variant (4).
Genome position (GRCh38, 1-based): chr10:96,192,042, C>A on the plus strand (G>T on the coding strand, the complement: BLNK is on the minus strand). VCF-style: chr10-96192042-C-A. GRCh37 (hg19) VCF-style: chr10-97951798-C-A.
Other names: c.1233G>T, p.Leu411Phe (NM_001114094.2); c.1146G>T, p.Leu382Phe (NM_001258440.2); c.1077G>T, p.Leu359Phe (NM_001258441.2); c.831G>T, p.Leu277Phe (NM_001258442.2); short protein forms L434F, L277F, L382F, L359F, L411F.
Identifiers: ClinVar variation 1355642 (VCV001355642.6), dbSNP rs782636828, ClinGen allele CA5623133.